The following is an entry in ClinVar:

ClinVar aggregate classification (germline): Likely benign (1 of 4 stars; one submission).

Submission:

CeGaT Center for Human Genetics Tuebingen
Classification: Likely benign. Last evaluated: 2025-04-01. Review status: criteria provided, single submitter. Criteria: CeGaT Center For Human Genetics Tuebingen Variant Classification Criteria Version 2. Collection method: clinical testing. Allele origin: germline. Affected: yes. Observed: 2 variant alleles.
Comment: PCK2: PM2:Supporting, BP4, BP7

NM_004563.4(PCK2):c.762T>C (p.Gly254=)

Genes: NRL (neural retina leucine zipper; minus strand), PCK2 (phosphoenolpyruvate carboxykinase 2, mitochondrial; plus strand). Cytogenetic location: 14q11.2.
Variant type: single nucleotide variant.
Coding change: c.762T>C on transcript NM_004563.4 (MANE Select); coding-DNA position 762, T replaced by C.
Protein change: p.Gly254=; no amino-acid change (glycine 254 retained).
Molecular consequence: synonymous variant. On other transcripts: intron variant (3).
Genome position (GRCh38, 1-based): chr14:24,099,146, T>C. VCF-style: chr14-24099146-T-C. GRCh37 (hg19) VCF-style: chr14-24568355-T-C.
Other names: c.762T>C, p.Gly254= (NM_001018073.3); c.360T>C, p.Gly120= (NM_001291556.2, NM_001308054.2); c.-28+15576A>G (NM_001354768.3, NM_001354770.2); c.-253-14401A>G (NM_006177.5).
Identifiers: ClinVar variation 3388413 (VCV003388413.14).